The following is an entry in ClinVar:

ClinVar aggregate classification (germline): Uncertain significance (1 of 4 stars; one submission).

Conditions:
Primary ciliary dyskinesia. Also called: Ciliary dyskinesia. Identifiers: Orphanet 244, MedGen C0008780, MONDO:0016575, HP:0012265.

gnomAD v4.1: 7 of 1,614,010 alleles (0.00043%); highest among the groups gnomAD compares: African/African-American, 0.0013%; no homozygotes.

Submission:

Ambry Genetics
Classification: Uncertain significance for Primary ciliary dyskinesia. Last evaluated: 2026-06-25. Review status: criteria provided, single submitter. Criteria: Ambry Variant Classification Scheme 2023. Collection method: clinical testing. Allele origin: germline.
Comment: The p.D754V variant (also known as c.2261A>T), located in coding exon 12 of the DNAAF5 gene, results from an A to T substitution at nucleotide position 2261. The aspartic acid at codon 754 is replaced by valine, an amino acid with highly dissimilar properties. This amino acid position is conserved. In addition, the in silico prediction for this alteration is inconclusive. Based on the available evidence, the clinical significance of this variant remains unclear.

NM_017802.4(DNAAF5):c.2261A>T (p.Asp754Val)

Gene: DNAAF5 (dynein axonemal assembly factor 5; plus strand). Cytogenetic location: 7p22.3.
Variant type: single nucleotide variant.
Coding change: c.2261A>T on transcript NM_017802.4 (MANE Select); coding-DNA position 2261, A replaced by T.
Protein change: p.Asp754Val; replaces aspartic acid 754 with valine.
Molecular consequence: missense variant. On other transcripts: non-coding transcript variant (1).
Genome position (GRCh38, 1-based): chr7:779,974, A>T. VCF-style: chr7-779974-A-T. GRCh37 (hg19) VCF-style: chr7-819611-A-T.
Other names: short protein forms D754V.
Identifiers: ClinVar variation 3840719 (VCV003840719.2).